The following is an entry in ClinVar:

NM_001035.3(RYR2):c.7158C>T (p.Asn2386=)

Gene: RYR2 (ryanodine receptor 2; plus strand). Cytogenetic location: 1q43.
Variant type: single nucleotide variant.
Coding change: c.7158C>T on transcript NM_001035.3 (MANE Select); coding-DNA position 7158, C replaced by T.
Protein change: p.Asn2386=; no amino-acid change (asparagine 2386 retained).
Molecular consequence: synonymous variant.
Genome position (GRCh38, 1-based): chr1:237,640,939, C>T. VCF-style: chr1-237640939-C-T. GRCh37 (hg19) VCF-style: chr1-237804239-C-T.
Other names: c.7158C>T, p.Asn2386= (LRG_402t1).
Identifiers: ClinVar variation 385519 (VCV000385519.22), dbSNP rs376057173, ClinGen allele CA087311.
Genomic context (GRCh38, chr1:237,640,939, plus strand): 5'-TTGAAACATTCATGAAAGTGACACAGAGGAGGAGGAAGATGACACTATCCACATGGGGAA[C>T]GCGATCATGACCTTCTATTCAGCTTTGATTGACCTCTTGGGACGCTGTGCTCCTGAGATG-3'
Protein context (NP_001026.2, residues 2376-2396): EEEDDTIHMG[Asn2386=]AIMTFYSALI

ClinVar aggregate classification (germline): Conflicting classifications of pathogenicity. Review status: criteria provided, conflicting classifications (1 of 4 stars). 9 submissions from 8 submitters: Uncertain significance (2); Benign (1); Likely benign (6). Last evaluated 2025-11-27.

Conditions:
Cardiovascular phenotype. Identifiers: MedGen CN230736.
Catecholaminergic polymorphic ventricular tachycardia (CVPT). Also called: Catecholamine-induced polymorphic ventricular tachycardia. Identifiers: Orphanet 3286, MedGen C5574922, MONDO:0017990.
Cardiomyopathy (CMYO). Also called: Cardiomyopathies. Identifiers: Orphanet 167848, MedGen C0878544, MONDO:0004994, HP:0001638. Inheritance: Various modes of inheritance.
Catecholaminergic polymorphic ventricular tachycardia 1. Also called: RYR2-Related Catecholaminergic Polymorphic Ventricular Tachycardia; VENTRICULAR TACHYCARDIA, STRESS-INDUCED POLYMORPHIC 1; VENTRICULAR TACHYCARDIA, CATECHOLAMINERGIC POLYMORPHIC, 1, WITH OR WITHOUT ATRIAL DYSFUNCTION AND/OR DILATED CARDIOMYOPATHY. Identifiers: Orphanet 3286, MedGen C1631597, MONDO:0011484, OMIM 604772.
Arrhythmogenic right ventricular dysplasia 2. Identifiers: MedGen C1832931.

Allele frequency attached by ClinVar (database versions not stated): gnomAD exomes 0.00012 and 0.00004; ExAC 0.00005; TOPMed 0.00005; gnomAD 0.00007 and 0.00008; ESP Exome Variant Server 0.00008.
gnomAD v4.1: 186 of 1,613,488 alleles (0.012%); highest among the groups gnomAD compares: East Asian, 0.027%; no homozygotes.

Submissions (9):

Labcorp Genetics (formerly Invitae), Labcorp
Classification: Likely benign for Catecholaminergic polymorphic ventricular tachycardia 1. Last evaluated: 2025-11-27. Review status: criteria provided, single submitter. Criteria: Invitae Variant Classification Sherloc (09022015). Collection method: clinical testing. Allele origin: germline.

All of Us Research Program, National Institutes of Health
Classification: Likely benign for Catecholaminergic polymorphic ventricular tachycardia. Last evaluated: 2024-02-05. Review status: criteria provided, single submitter. Criteria: ACMG Guidelines, 2015. Collection method: clinical testing. Allele origin: germline. Inheritance: Autosomal dominant inheritance. Observed: 10 variant alleles, 10 heterozygotes.
Comment: This study involves interpretation of variants in research participants for the purpose of population health screening. Participant phenotype was not available at the time of variant classification. Additional details can be found in publication PMID: 35346344, PMCID: PMC8962531

Blueprint Genetics
Classification: Likely benign. Last evaluated: 2024-01-17. Review status: criteria provided, single submitter. Criteria: ACMG Guidelines, 2015. Collection method: clinical testing. Allele origin: germline.

Women's Health and Genetics/Laboratory Corporation of America, LabCorp
Classification: Benign. Last evaluated: 2023-04-10. Review status: criteria provided, single submitter. Criteria: LabCorp Variant Classification Summary - May 2015. Collection method: clinical testing. Allele origin: germline.

Ambry Genetics
Classification: Likely benign for Cardiovascular phenotype. Last evaluated: 2022-07-17. Review status: criteria provided, single submitter. Criteria: Ambry Variant Classification Scheme 2023. Collection method: clinical testing. Allele origin: germline.

Color Diagnostics, LLC DBA Color Health
Classification: Likely benign for Cardiomyopathy. Last evaluated: 2018-10-21. Review status: criteria provided, single submitter. Criteria: ACMG Guidelines, 2015. Collection method: clinical testing. Allele origin: germline.

Illumina Laboratory Services, Illumina
Classification: Uncertain significance for Catecholaminergic polymorphic ventricular tachycardia 1. Last evaluated: 2018-01-12. Review status: criteria provided, single submitter. Criteria: ICSL Variant Classification Criteria 13 December 2019. Collection method: clinical testing. Allele origin: germline.

Illumina Laboratory Services, Illumina
Classification: Uncertain significance for Catecholaminergic polymorphic ventricular tachycardia 1. Last evaluated: 2018-01-12. Review status: criteria provided, single submitter. Criteria: ICSL Variant Classification Criteria 13 December 2019. Collection method: clinical testing. Allele origin: germline.

GeneDx
Classification: Likely benign. Last evaluated: 2016-04-13. Review status: criteria provided, single submitter. Criteria: GeneDx Variant Classification (06012015). Collection method: clinical testing. Allele origin: germline. Affected: yes.
Comment: This variant is considered likely benign or benign based on one or more of the following criteria: it is a conservative change, it occurs at a poorly conserved position in the protein, it is predicted to be benign by multiple in silico algorithms, and/or has population frequency not consistent with disease.